The following is an entry in ClinVar:

NM_002691.4(POLD1):c.2368A>C (p.Ile790Leu)

Gene: POLD1 (DNA polymerase delta 1, catalytic subunit; plus strand). Cytogenetic location: 19q13.33.
Variant type: single nucleotide variant.
Coding change: c.2368A>C on transcript NM_002691.4 (MANE Select); coding-DNA position 2368, A replaced by C.
Protein change: p.Ile790Leu; replaces isoleucine 790 with leucine.
Molecular consequence: missense variant. On other transcripts: non-coding transcript variant (1).
Genome position (GRCh38, 1-based): chr19:50,413,859, A>C. VCF-style: chr19-50413859-A-C. GRCh37 (hg19) VCF-style: chr19-50917116-A-C.
Other names: c.2368A>C, p.Ile790Leu (NM_001256849.1); c.2446A>C, p.Ile816Leu (NM_001308632.1); short protein forms I790L, I816L.
Identifiers: ClinVar variation 2761784 (VCV002761784.3), dbSNP rs2122451255, ClinGen allele CA406984352.

ClinVar aggregate classification (germline): Uncertain significance (1 of 4 stars; one submission).

Conditions:
POLD1-related polyposis and colorectal cancer syndrome (CRCS10). Also called: Colorectal cancer 10; Colorectal cancer, susceptibility to, 10; COLORECTAL CANCER, SUSCEPTIBILITY TO, ON CHROMOSOME 19q. Identifiers: Orphanet 220460, MedGen C2675481, MONDO:0012953, OMIM 612591.

Submission:

Labcorp Genetics (formerly Invitae), Labcorp
Classification: Uncertain significance for POLD1-related polyposis and colorectal cancer syndrome. Last evaluated: 2023-09-19. Review status: criteria provided, single submitter. Criteria: Invitae Variant Classification Sherloc (09022015). Collection method: clinical testing. Allele origin: germline.
Comment: This sequence change replaces isoleucine, which is neutral and non-polar, with leucine, which is neutral and non-polar, at codon 790 of the POLD1 protein (p.Ile790Leu). In summary, the available evidence is currently insufficient to determine the role of this variant in disease. Therefore, it has been classified as a Variant of Uncertain Significance. Advanced modeling of protein sequence and biophysical properties (such as structural, functional, and spatial information, amino acid conservation, physicochemical variation, residue mobility, and thermodynamic stability) performed at Invitae indicates that this missense variant is not expected to disrupt POLD1 protein function. This variant has not been reported in the literature in individuals affected with POLD1-related conditions. This variant is not present in population databases (gnomAD no frequency).